The following is an entry in ClinVar:

NM_000179.3(MSH6):c.379G>A (p.Val127Ile)

Gene: MSH6 (mutS homolog 6; plus strand). Cytogenetic location: 2p16.3.
Variant type: single nucleotide variant.
Coding change: c.379G>A on transcript NM_000179.3 (MANE Select); coding-DNA position 379, G replaced by A.
Protein change: p.Val127Ile; replaces valine 127 with isoleucine.
Molecular consequence: missense variant. On other transcripts: 5 prime UTR variant (2), intron variant (1).
Genome position (GRCh38, 1-based): chr2:47,791,045, G>A. VCF-style: chr2-47791045-G-A. GRCh37 (hg19) VCF-style: chr2-48018184-G-A.
Other names: c.-358G>A (NM_001281493.2); c.-524G>A (NM_001281494.2); c.238-7566G>A (NM_001281492.2); short protein forms V127I.
Identifiers: ClinVar variation 483864 (VCV000483864.17), dbSNP rs1553410307, ClinGen allele CA346737044.

ClinVar aggregate classification (germline): Conflicting classifications of pathogenicity. Review status: criteria provided, conflicting classifications (1 of 4 stars). 4 submissions from 4 submitters: Uncertain significance (2); Benign (1); Likely benign (1). Last evaluated 2025-03-18.

Conditions:
Hereditary cancer-predisposing syndrome. Also called: Neoplastic Syndromes, Hereditary; Tumor predisposition; Hereditary Cancer Syndrome; Hereditary neoplastic syndrome. Identifiers: Orphanet 140162, MedGen C0027672, MeSH D009386, MONDO:0015356.
Hereditary nonpolyposis colorectal neoplasms. Identifiers: MedGen C0009405, MeSH D003123.
Endometrial carcinoma. Also called: Endometrial carcinoma, somatic. Identifiers: MedGen C0476089, MONDO:0002447, OMIM 608089, HP:0012114.

Allele frequency attached by ClinVar (database versions not stated): gnomAD 0.00001.
gnomAD v4.1: 2 of 1,614,116 alleles (0.00012%); highest among the groups gnomAD compares: Admixed American, 0.0017%; no homozygotes.

Submissions (4):

Labcorp Genetics (formerly Invitae), Labcorp
Classification: Benign for Hereditary nonpolyposis colorectal neoplasms. Last evaluated: 2025-03-18. Review status: criteria provided, single submitter. Criteria: Invitae Variant Classification Sherloc (09022015). Collection method: clinical testing. Allele origin: germline.

Ambry Genetics
Classification: Likely benign for Hereditary cancer-predisposing syndrome. Last evaluated: 2024-09-11. Review status: criteria provided, single submitter. Criteria: Ambry Variant Classification Scheme 2023. Collection method: clinical testing. Allele origin: germline.

Baylor Genetics
Classification: Uncertain significance for Endometrial carcinoma. Last evaluated: 2024-01-22. Review status: criteria provided, single submitter. Criteria: ACMG Guidelines, 2015. Collection method: clinical testing. Allele origin: unknown.

Color Diagnostics, LLC DBA Color Health
Classification: Uncertain significance for Hereditary cancer-predisposing syndrome. Last evaluated: 2023-10-31. Review status: criteria provided, single submitter. Criteria: ACMG Guidelines, 2015. Collection method: clinical testing. Allele origin: germline.
Comment: This missense variant replaces valine with isoleucine at codon 127 of the MSH6 protein. Computational prediction suggests that this variant may not impact protein structure and function (internally defined REVEL score threshold <= 0.5, PMID: 27666373). To our knowledge, functional studies have not been reported for this variant. This variant has not been reported in individuals affected with MSH6-related disorders in the literature. This variant has not been identified in the general population by the Genome Aggregation Database (gnomAD). The available evidence is insufficient to determine the role of this variant in disease conclusively. Therefore, this variant is classified as a Variant of Uncertain Significance.